The following is an entry in ClinVar:

NM_002693.3(POLG):c.1066C>T (p.Leu356=)

Gene: POLG (DNA polymerase gamma, catalytic subunit; minus strand). Cytogenetic location: 15q26.1.
Variant type: single nucleotide variant.
Coding change: c.1066C>T on transcript NM_002693.3 (MANE Select); coding-DNA position 1066, C replaced by T.
Protein change: p.Leu356=; no amino-acid change (leucine 356 retained).
Molecular consequence: synonymous variant.
Genome position (GRCh38, 1-based): chr15:89,328,789, G>A on the plus strand (C>T on the coding strand, the complement: POLG is on the minus strand). VCF-style: chr15-89328789-G-A. GRCh37 (hg19) VCF-style: chr15-89872020-G-A.
Other names: p.L356L:CTG>TTG; p.Leu356=; c.1066C>T, p.Leu356= (NM_001126131.2).
Identifiers: ClinVar variation 138772 (VCV000138772.29), dbSNP rs371431444, ClinGen allele CA292867.

ClinVar aggregate classification (germline): Conflicting classifications of pathogenicity. Review status: criteria provided, conflicting classifications (1 of 4 stars). 11 submissions from 11 submitters: Uncertain significance (2); Benign (1); Likely benign (8). Last evaluated 2026-06-01.

Conditions:
Inborn genetic diseases. Identifiers: MedGen C0950123, MeSH D030342.
POLG-related disorder. Also called: POLG-Related Spectrum Disorders; POLG-related condition; POLG-Related Disorders. Identifiers: MedGen C4763519.
Progressive sclerosing poliodystrophy (MTDPS4A). Also called: Alpers Syndrome; ALPERS DIFFUSE DEGENERATION OF CEREBRAL GRAY MATTER WITH HEPATIC CIRRHOSIS; Alpers-Huttenlocher Syndrome; Mitochondrial DNA depletion syndrome 4A (Alpers type); Mitochondrial DNA Depletion Syndrome 4A; Alpers-Huttenlocher Syndrome (AHS). Identifiers: Orphanet 726, MedGen C0205710, MONDO:0008758, OMIM 203700.

Allele frequency attached by ClinVar (database versions not stated): gnomAD exomes 0.00003 and 0.00020; gnomAD 0.00011; ExAC 0.00013; 1000 Genomes Project 30x 0.00016; TOPMed 0.00016; 1000 Genomes Project 0.00020.
gnomAD v4.1: 136 of 1,614,152 alleles (0.0084%); highest among the groups gnomAD compares: East Asian, 0.12%; 2 homozygotes.

Submissions (11):

CeGaT Center for Human Genetics Tuebingen
Classification: Likely benign. Last evaluated: 2026-06-01. Review status: criteria provided, single submitter. Criteria: CeGaT Center For Human Genetics Tuebingen Variant Classification Criteria Version 2. Collection method: clinical testing. Allele origin: germline. Affected: yes. Observed: 1 variant allele.
Comment: POLG: BP4

Labcorp Genetics (formerly Invitae), Labcorp
Classification: Likely benign for Progressive sclerosing poliodystrophy. Last evaluated: 2026-02-04. Review status: criteria provided, single submitter. Criteria: Invitae Variant Classification Sherloc (09022015). Collection method: clinical testing. Allele origin: germline.

Mayo Clinic Laboratories, Mayo Clinic
Classification: Likely benign. Last evaluated: 2024-12-06. Review status: criteria provided, single submitter. Criteria: ACMG Guidelines, 2015. Collection method: clinical testing. Allele origin: germline. Observed: 4 variant alleles.
Comment: BP4

Blueprint Genetics
Classification: Likely benign. Last evaluated: 2024-11-27. Review status: criteria provided, single submitter. Criteria: ACMG Guidelines, 2015. Collection method: clinical testing. Allele origin: germline.

Athena Diagnostics
Classification: Likely benign. Last evaluated: 2024-07-11. Review status: criteria provided, single submitter. Criteria: Athena Diagnostics Criteria. Collection method: clinical testing. Allele origin: unknown.

Women's Health and Genetics/Laboratory Corporation of America, LabCorp
Classification: Likely benign. Last evaluated: 2024-01-03. Review status: criteria provided, single submitter. Criteria: LabCorp Variant Classification Summary - May 2015. Collection method: clinical testing. Allele origin: germline.

Wong Mito Lab, Molecular and Human Genetics, Baylor College of Medicine
Classification: Likely benign for Progressive sclerosing poliodystrophy. Last evaluated: 2018-10-01. Review status: criteria provided, single submitter. Criteria: ACMG Guidelines, 2015. Collection method: clinical testing. Allele origin: germline.
Comment: The NM_002693.2:c.1066C>T (NP_002684.1:p.Leu356=) [GRCH38: NC_000015.10:g.89328789G>A] variant in POLG gene is interpretated to be a Likely Benign based on ACMG guidelines (PMID: 25741868). This variant meets the following evidence codes reported in the ACMG-guideline. BS1:The minor allele frequency of this allele is high for Mitochondrial DNA depletion syndrome 4A (Alpers type). BP4:Computational evidence/predictors indicate no impact on the POLG structure, function, or protein-protein interaction. BP7:The variant is silent with non predicted splice impact. Based on the evidence criteria codes applied, the variant is suggested to be Likely Benign.

Ambry Genetics
Classification: Likely benign for Inborn genetic diseases. Last evaluated: 2018-04-11. Review status: criteria provided, single submitter. Criteria: Ambry Variant Classification Scheme 2023. Collection method: clinical testing. Allele origin: germline.

Illumina Laboratory Services, Illumina
Classification: Uncertain significance for POLG-Related Spectrum Disorders. Last evaluated: 2018-01-13. Review status: criteria provided, single submitter. Criteria: ICSL Variant Classification Criteria 13 December 2019. Collection method: clinical testing. Allele origin: germline.

Eurofins Ntd Llc (ga)
Classification: Uncertain significance. Last evaluated: 2017-05-18. Review status: criteria provided, single submitter. Criteria: EGL Classification Definitions 2015. Collection method: clinical testing. Allele origin: germline. Observed: 4 variant alleles, 4 heterozygotes.

GeneDx
Classification: Benign. Last evaluated: 2013-06-07. Review status: criteria provided, single submitter. Criteria: GeneDx Variant Classification (06012015). Collection method: clinical testing. Allele origin: germline. Affected: yes.
Comment: This variant is considered likely benign or benign based on one or more of the following criteria: it is a conservative change, it occurs at a poorly conserved position in the protein, it is predicted to be benign by multiple in silico algorithms, and/or has population frequency not consistent with disease.

Literature cited by the submitters: PubMed 28958595 (cited by Athena Diagnostics).